The following is an entry in ClinVar:

NM_001365480.1(CCDC88A):c.193A>G (p.Asn65Asp)

Gene: CCDC88A (coiled-coil and HOOK domain protein 88A; minus strand). Cytogenetic location: 2p16.1.
Variant type: single nucleotide variant.
Coding change: c.193A>G on transcript NM_001365480.1 (MANE Select); coding-DNA position 193, A replaced by G.
Protein change: p.Asn65Asp; replaces asparagine 65 with aspartic acid.
Molecular consequence: missense variant.
Genome position (GRCh38, 1-based): chr2:55,388,858, T>C on the plus strand (A>G on the coding strand, the complement: CCDC88A is on the minus strand). VCF-style: chr2-55388858-T-C. GRCh37 (hg19) VCF-style: chr2-55615994-T-C.
Other names: c.193A>G, p.Asn65Asp (NM_001135597.2, NM_001254943.2, NM_018084.5); short protein forms N65D.
Identifiers: ClinVar variation 1904064 (VCV001904064.3), dbSNP rs749501647, ClinGen allele CA1666472.

ClinVar aggregate classification (germline): Uncertain significance (1 of 4 stars; one submission).

Allele frequency attached by ClinVar (database versions not stated): gnomAD exomes below 0.00001; TOPMed below 0.00001; ExAC 0.00001.
gnomAD v4.1: 5 of 1,495,732 alleles (0.00033%); highest among the groups gnomAD compares: Admixed American, 0.0075%; no homozygotes.

Submission:

Labcorp Genetics (formerly Invitae), Labcorp
Classification: Uncertain significance. Last evaluated: 2026-01-05. Review status: criteria provided, single submitter. Criteria: Invitae Variant Classification Sherloc (09022015). Collection method: clinical testing. Allele origin: germline.
Comment: This sequence change replaces asparagine, which is neutral and polar, with aspartic acid, which is acidic and polar, at codon 65 of the CCDC88A protein (p.Asn65Asp). This variant is present in population databases (rs749501647, gnomAD 0.008%). This variant has not been reported in the literature in individuals affected with CCDC88A-related conditions. ClinVar contains an entry for this variant (Variation ID: 1904064). An algorithm developed to predict the effect of missense changes on protein structure and function (PolyPhen-2) suggests that this variant is likely to be disruptive. In summary, the available evidence is currently insufficient to determine the role of this variant in disease. Therefore, it has been classified as a Variant of Uncertain Significance.